The following is an entry in ClinVar:

NM_139276.3(STAT3):c.1354A>G (p.Ile452Val)

Gene: STAT3 (signal transducer and activator of transcription 3; minus strand). Cytogenetic location: 17q21.2.
Variant type: single nucleotide variant.
Coding change: c.1354A>G on transcript NM_139276.3 (MANE Select); coding-DNA position 1354, A replaced by G.
Protein change: p.Ile452Val; replaces isoleucine 452 with valine.
Molecular consequence: missense variant. On other transcripts: intron variant (1).
Genome position (GRCh38, 1-based): chr17:42,326,127, T>C on the plus strand (A>G on the coding strand, the complement: STAT3 is on the minus strand). VCF-style: chr17-42326127-T-C. GRCh37 (hg19) VCF-style: chr17-40478145-T-C.
Other names: c.1354A>G, p.Ile452Val (NM_001369512.1, NM_001369513.1, NM_001369514.1 and 11 more transcripts); c.1276A>G, p.Ile426Val (NM_001384985.1); c.1369A>G, p.Ile457Val (NM_001384986.1, NM_001384990.1); c.1258A>G, p.Ile420Val (NM_001384989.1); c.1294A>G, p.Ile432Val (NM_001384992.1); c.1282-1066A>G (NM_001384984.1); short protein forms I420V, I426V, I432V, I452V, I457V.
Identifiers: ClinVar variation 4855947 (VCV004855947.1).

ClinVar aggregate classification (germline): Uncertain significance (1 of 4 stars; one submission).

Conditions:
STAT3-related disorder. Also called: STAT3-related condition.

Submission:

3billion
Classification: Uncertain significance for STAT3-related disorder. Last evaluated: 2025-09-08. Review status: criteria provided, single submitter. Criteria: ACMG Guidelines, 2015. Collection method: clinical testing. Allele origin: germline. Affected: yes.
Comment: The variant is not observed in the gnomAD v4.1.0 dataset. Predicted Consequence/Location: Missense variant. Missense changes are a common disease-causing mechanism. In silico tool predictions suggest damaging effect of the variant on gene or gene product [3Cnet: 0.92 (> 0.75, sensitivity 0.96 and precision 0.92)]. Different missense changes at the same codon have been reported as of uncertain significance (ClinVar ID: VCV002938539). Therefore, this variant is classified as VUS according to the recommendation of ACMG/AMP guideline.